The following is an entry in ClinVar:

ClinVar aggregate classification (germline): Uncertain significance. Review status: criteria provided, multiple submitters, no conflicts (2 of 4 stars). 2 submissions from 2 submitters: Uncertain significance (2). Last evaluated 2025-08-20.

Allele frequency attached by ClinVar (database versions not stated): ExAC 0.00002; gnomAD exomes 0.00004; gnomAD 0.00011; TOPMed 0.00020; 1000 Genomes Project 0.00040; 1000 Genomes Project 30x 0.00047.
gnomAD v4.1: 74 of 1,613,808 alleles (0.0046%); highest among the groups gnomAD compares: Admixed American, 0.035%; no homozygotes.

Submissions (2):

Labcorp Genetics (formerly Invitae), Labcorp
Classification: Uncertain significance. Last evaluated: 2025-08-20. Review status: criteria provided, single submitter. Criteria: Invitae Variant Classification Sherloc (09022015). Collection method: clinical testing. Allele origin: germline.
Comment: This sequence change replaces valine, which is neutral and non-polar, with methionine, which is neutral and non-polar, at codon 61 of the PFN1 protein (p.Val61Met). This variant is present in population databases (rs202232499, gnomAD 0.006%). This variant has not been reported in the literature in individuals affected with PFN1-related conditions. ClinVar contains an entry for this variant (Variation ID: 1974670). An algorithm developed to predict the effect of missense changes on protein structure and function (PolyPhen-2) suggests that this variant is likely to be tolerated. In summary, the available evidence is currently insufficient to determine the role of this variant in disease. Therefore, it has been classified as a Variant of Uncertain Significance.

Athena Diagnostics
Classification: Uncertain significance. Last evaluated: 2025-04-15. Review status: criteria provided, single submitter. Criteria: Athena Diagnostics Criteria. Collection method: clinical testing. Allele origin: unknown.
Comment: Available data are insufficient to determine the clinical significance of the variant at this time. The frequency of this variant in the general population is uninformative in assessment of its pathogenicity. Polyphen and MutationTaster yielded discordant predictions regarding whether this amino acid change is damaging to the protein.

Literature cited by the submitters: PubMed 39044379 (cited by Athena Diagnostics).

NM_005022.4(PFN1):c.181G>A (p.Val61Met)

Gene: PFN1 (profilin 1; minus strand). Cytogenetic location: 17p13.2.
Variant type: single nucleotide variant.
Coding change: c.181G>A on transcript NM_005022.4 (MANE Select); coding-DNA position 181, G replaced by A.
Protein change: p.Val61Met; replaces valine 61 with methionine.
Molecular consequence: missense variant.
Genome position (GRCh38, 1-based): chr17:4,946,772, C>T on the plus strand (G>A on the coding strand, the complement: PFN1 is on the minus strand). VCF-style: chr17-4946772-C-T. GRCh37 (hg19) VCF-style: chr17-4850067-C-T.
Other names: c.181G>A (NM_005022.3); c.181G>A, p.Val61Met (NM_001375991.1); short protein forms V61M.
Identifiers: ClinVar variation 1974670 (VCV001974670.6), dbSNP rs202232499, ClinGen allele CA8315946.
Genomic context (GRCh38, chr17:4,946,772, plus strand): 5'-CCTGCAGCAGTGAGTCCCGGATCACCGAACATTTCTGGCCCCCAAGTGTCAGCCCATTCA[C>T]GTAAAAACTTGACCGGTCTTTGCCAACCAGGACACCCACCTCAGCTGGCTGGAAGAGGAA-3'
Protein context (NP_005013.1, residues 51-71): LVGKDRSSFY[Val61Met]NGLTLGGQKC